The following is an entry in ClinVar:

NM_000321.3(RB1):c.1159A>G (p.Met387Val)

Gene: RB1 (RB transcriptional corepressor 1; plus strand). Cytogenetic location: 13q14.2.
Variant type: single nucleotide variant.
Coding change: c.1159A>G on transcript NM_000321.3 (MANE Select); coding-DNA position 1159, A replaced by G.
Protein change: p.Met387Val; replaces methionine 387 with valine.
Molecular consequence: missense variant.
Genome position (GRCh38, 1-based): chr13:48,373,436, A>G. VCF-style: chr13-48373436-A-G. GRCh37 (hg19) VCF-style: chr13-48947572-A-G.
Other names: short protein forms M387V.
Identifiers: ClinVar variation 458117 (VCV000458117.12), dbSNP rs190689977, ClinGen allele CA388161499.

ClinVar aggregate classification (germline): Uncertain significance. Review status: criteria provided, multiple submitters, no conflicts (2 of 4 stars). 2 submissions from 2 submitters: Uncertain significance (2). Last evaluated 2025-06-28.

Conditions:
Hereditary cancer-predisposing syndrome. Also called: Neoplastic Syndromes, Hereditary; Tumor predisposition; Hereditary Cancer Syndrome; Hereditary neoplastic syndrome. Identifiers: Orphanet 140162, MedGen C0027672, MeSH D009386, MONDO:0015356.
Retinoblastoma (RB1). Also called: RETINOBLASTOMA, SOMATIC. Identifiers: Orphanet 790, MedGen C0035335, MeSH D012175, MONDO:0008380, OMIM 180200, HP:0009919. Disease mechanism: loss of function. Inheritance: Both sporadic and heritable forms are tested..

Submissions (2):

Ambry Genetics
Classification: Uncertain significance for Hereditary cancer-predisposing syndrome. Last evaluated: 2025-06-28. Review status: criteria provided, single submitter. Criteria: Ambry Variant Classification Scheme 2023. Collection method: clinical testing. Allele origin: germline.
Comment: The p.M387V variant (also known as c.1159A>G), located in coding exon 12 of the RB1 gene, results from an A to G substitution at nucleotide position 1159. The methionine at codon 387 is replaced by valine, an amino acid with highly similar properties. This amino acid position is conserved. In addition, this alteration is predicted to be tolerated by in silico analysis. Since supporting evidence is limited at this time, the clinical significance of this alteration remains unclear.

Labcorp Genetics (formerly Invitae), Labcorp
Classification: Uncertain significance for Retinoblastoma. Last evaluated: 2022-06-01. Review status: criteria provided, single submitter. Criteria: Invitae Variant Classification Sherloc (09022015). Collection method: clinical testing. Allele origin: germline.
Comment: In summary, the available evidence is currently insufficient to determine the role of this variant in disease. Therefore, it has been classified as a Variant of Uncertain Significance. Algorithms developed to predict the effect of sequence changes on RNA splicing suggest that this variant may create or strengthen a splice site. Algorithms developed to predict the effect of missense changes on protein structure and function output the following: SIFT: "Tolerated"; PolyPhen-2: "Benign"; Align-GVGD: "Class C0". The valine amino acid residue is found in multiple mammalian species, which suggests that this missense change does not adversely affect protein function. ClinVar contains an entry for this variant (Variation ID: 458117). This variant has not been reported in the literature in individuals affected with RB1-related conditions. This variant is not present in population databases (gnomAD no frequency). This sequence change replaces methionine, which is neutral and non-polar, with valine, which is neutral and non-polar, at codon 387 of the RB1 protein (p.Met387Val).